The following is an entry in ClinVar:

ClinVar aggregate classification (germline): Pathogenic (1 of 4 stars; one submission).

Conditions:
Telangiectasia, hereditary hemorrhagic, type 1 (HHT1). Also called: Osler Weber Rendu syndrome type 1; ENG-Related Hereditary Hemorrhagic Telangiectasia. Identifiers: Orphanet 774, MedGen C4551861, MONDO:0008535, OMIM 187300. Disease mechanism: loss of function.

Submission:

NIHR Bioresource Rare Diseases, University of Cambridge
Classification: Pathogenic for Telangiectasia, hereditary hemorrhagic, type 1. Last evaluated: 2018-01-01. Review status: criteria provided, single submitter. Criteria: ACMG Guidelines, 2015. Collection method: research. Allele origin: unknown. Affected: yes. Observed: 1 variant allele.
Comment: PVS1+PM2+PP4

Literature cited by the submitters: PubMed 32573726.

NM_001114753.3(ENG):c.523+229_991+123del

Gene: ENG (endoglin; minus strand). Cytogenetic location: 9q34.11.
Variant type: Deletion.
Coding change: c.523+229_991+123del on transcript NM_001114753.3 (MANE Select); 229 bases into the intron after coding-DNA position 523 through 123 bases into the intron after coding-DNA position 991, 1,605 bases deleted.
Molecular consequence: splice acceptor variant, splice donor variant. On other transcripts: initiator codon variant (1).
Genome position (GRCh38, 1-based): chr9:127,824,677-127,826,281, 1,605 bases deleted. GRCh37 (hg19): chr9:130,586,958-130,588,562.
Other names: c.523+229_991+123del (NM_000118.4, NM_001406715.1); c.-24+229_445+123del (NM_001278138.2).
Identifiers: ClinVar variation 982462 (VCV000982462.4), ClinGen allele CA1139661205.